The following is an entry in ClinVar:

ClinVar aggregate classification (germline): Likely benign. Review status: criteria provided, multiple submitters, no conflicts (2 of 4 stars). 3 submissions from 3 submitters: Likely benign (3). Last evaluated 2025-09-05.

Conditions:
NEFL-related disorder. Also called: NEFL-related condition.
Charcot-Marie-Tooth disease type 2E (CMT2E). Also called: CHARCOT-MARIE-TOOTH DISEASE, AXONAL, TYPE 2E; CHARCOT-MARIE-TOOTH NEUROPATHY, TYPE 2E. Identifiers: Orphanet 99939, MedGen C1843225, MONDO:0011894, OMIM 607684.

Allele frequency attached by ClinVar (database versions not stated): gnomAD exomes 0.00001 and 0.00002; ExAC 0.00002; TOPMed 0.00003; gnomAD 0.00005.
gnomAD v4.1: 35 of 1,598,872 alleles (0.0022%); highest among the groups gnomAD compares: African/African-American, 0.004%; no homozygotes.

Submissions (3):

PreventionGenetics, part of Exact Sciences
Classification: Likely benign for NEFL-related condition. Last evaluated: 2025-09-05. Review status: criteria provided, single submitter. Criteria: ACMG Guidelines, 2015. Collection method: clinical testing. Allele origin: germline.
Comment: This variant is classified as likely benign based on ACMG/AMP sequence variant interpretation guidelines (Richards et al. 2015 PMID: 25741868, with internal and published modifications).

Labcorp Genetics (formerly Invitae), Labcorp
Classification: Likely benign for Charcot-Marie-Tooth disease type 2E. Last evaluated: 2024-10-30. Review status: criteria provided, single submitter. Criteria: Invitae Variant Classification Sherloc (09022015). Collection method: clinical testing. Allele origin: germline.

GeneDx
Classification: Likely benign. Last evaluated: 2015-12-30. Review status: criteria provided, single submitter. Criteria: GeneDx Variant Classification (06012015). Collection method: clinical testing. Allele origin: germline. Affected: yes.
Comment: This variant is considered likely benign or benign based on one or more of the following criteria: it is a conservative change, it occurs at a poorly conserved position in the protein, it is predicted to be benign by multiple in silico algorithms, and/or has population frequency not consistent with disease.

NM_006158.5(NEFL):c.1461G>A (p.Glu487=)

Gene: NEFL (neurofilament light chain; minus strand). Cytogenetic location: 8p21.2.
Variant type: single nucleotide variant.
Coding change: c.1461G>A on transcript NM_006158.5 (MANE Select); coding-DNA position 1461, G replaced by A.
Protein change: p.Glu487=; no amino-acid change (glutamic acid 487 retained).
Molecular consequence: synonymous variant.
Genome position (GRCh38, 1-based): chr8:24,953,504, C>T on the plus strand (G>A on the coding strand, the complement: NEFL is on the minus strand). VCF-style: chr8-24953504-C-T. GRCh37 (hg19) VCF-style: chr8-24811017-C-T.
Identifiers: ClinVar variation 382235 (VCV000382235.11), dbSNP rs763418924, ClinGen allele CA4681271.